The following is an entry in ClinVar:

ClinVar aggregate classification (germline): Uncertain significance. Review status: criteria provided, multiple submitters, no conflicts (2 of 4 stars). 2 submissions from 2 submitters: Uncertain significance (2). Last evaluated 2024-08-22.

Conditions:
Familial hyperparathyroidism or Hypocalciuric hypercalcaemia.
Autosomal dominant hypocalcemia 1 (HYPOC1). Also called: HYPOCALCEMIA, FAMILIAL. Identifiers: MedGen C3715128, MONDO:0011013, OMIM 601198.
Familial hypocalciuric hypercalcemia (FHH). Also called: Familial benign hypercalcemia. Identifiers: Orphanet 405, MedGen C1809471, MONDO:0018458.

Allele frequency attached by ClinVar (database versions not stated): gnomAD exomes below 0.00001.
gnomAD v4.1: 1 of 1,614,220 alleles (0.000062%); highest among the groups gnomAD compares: Non-Finnish European, 0.000085%; no homozygotes.

Submissions (2):

Cambridge Genomics Laboratory, East Genomic Laboratory Hub, NHS Genomic Medicine Service
Classification: Uncertain significance for Familial hyperparathyroidism or Hypocalciuric hypercalcaemia. Last evaluated: 2024-08-22. Review status: criteria provided, single submitter. Criteria: ACGS Best Practice Guidelines for Variant Classification in Rare Disease 2020. Collection method: clinical testing. Allele origin: germline. Affected: yes.
Comment: PM2,BP4

Labcorp Genetics (formerly Invitae), Labcorp
Classification: Uncertain significance for Familial hypocalciuric hypercalcemia; Autosomal dominant hypocalcemia 1. Last evaluated: 2021-11-01. Review status: criteria provided, single submitter. Criteria: Invitae Variant Classification Sherloc (09022015). Collection method: clinical testing. Allele origin: germline.
Comment: This variant is not present in population databases (gnomAD no frequency). This sequence change replaces threonine, which is neutral and polar, with arginine, which is basic and polar, at codon 1030 of the CASR protein (p.Thr1030Arg). This variant has not been reported in the literature in individuals affected with CASR-related conditions. In summary, the available evidence is currently insufficient to determine the role of this variant in disease. Therefore, it has been classified as a Variant of Uncertain Significance. Algorithms developed to predict the effect of missense changes on protein structure and function (SIFT, PolyPhen-2, Align-GVGD) all suggest that this variant is likely to be tolerated.

NM_000388.4(CASR):c.3089C>G (p.Thr1030Arg)

Gene: CASR (calcium sensing receptor; plus strand). Cytogenetic location: 3q21.1.
Variant type: single nucleotide variant.
Coding change: c.3089C>G on transcript NM_000388.4 (MANE Select); coding-DNA position 3089, C replaced by G.
Protein change: p.Thr1030Arg; replaces threonine 1030 with arginine.
Molecular consequence: missense variant.
Genome position (GRCh38, 1-based): chr3:122,285,043, C>G. VCF-style: chr3-122285043-C-G. GRCh37 (hg19) VCF-style: chr3-122003890-C-G.
Other names: c.3119C>G, p.Thr1040Arg (NM_001178065.2); short protein forms T1030R, T1040R.
Identifiers: ClinVar variation 1445578 (VCV001445578.7), dbSNP rs2107651914, ClinGen allele CA354161415.